The following is an entry in ClinVar:

NM_001349253.2(SCN11A):c.2339C>G (p.Ala780Gly)

Gene: SCN11A (sodium voltage-gated channel alpha subunit 11; minus strand). Cytogenetic location: 3p22.2.
Variant type: single nucleotide variant.
Coding change: c.2339C>G on transcript NM_001349253.2 (MANE Select); coding-DNA position 2339, C replaced by G.
Protein change: p.Ala780Gly; replaces alanine 780 with glycine.
Molecular consequence: missense variant.
Genome position (GRCh38, 1-based): chr3:38,896,909, G>C on the plus strand (C>G on the coding strand, the complement: SCN11A is on the minus strand). VCF-style: chr3-38896909-G-C. GRCh37 (hg19) VCF-style: chr3-38938400-G-C.
Other names: c.2339C>G, p.Ala780Gly (NM_014139.3); short protein forms A780G.
Identifiers: ClinVar variation 1789813 (VCV001789813.3), dbSNP rs113359492, ClinGen allele CA72959264.

ClinVar aggregate classification (germline): Uncertain significance. Review status: criteria provided, multiple submitters, no conflicts (2 of 4 stars). 2 submissions from 2 submitters: Uncertain significance (2). Last evaluated 2026-09-07.

Conditions:
SCN11A-related disorder. Also called: SCN11A-related condition.
Inborn genetic diseases. Identifiers: MedGen C0950123, MeSH D030342.

gnomAD v4.1: 4 of 1,611,724 alleles (0.00025%); highest among the groups gnomAD compares: African/African-American, 0.004%; no homozygotes.

Submissions (2):

PreventionGenetics, part of Exact Sciences
Classification: Uncertain significance for SCN11A-related condition. Last evaluated: 2026-09-07. Review status: criteria provided, single submitter. Criteria: ACMG Guidelines, 2015. Collection method: clinical testing. Allele origin: germline.
Comment: The SCN11A c.2339C>G variant is predicted to result in the amino acid substitution p.Ala780Gly. To our knowledge, this variant has not been reported in the literature. This variant is reported in 0.012% of alleles in individuals of African descent in gnomAD. At this time, the clinical significance of this variant is uncertain due to the absence of conclusive functional and genetic evidence.

Ambry Genetics
Classification: Uncertain significance for Inborn genetic diseases. Last evaluated: 2021-05-06. Review status: criteria provided, single submitter. Criteria: Ambry Variant Classification Scheme 2023. Collection method: clinical testing. Allele origin: germline.
Comment: The p.A780G variant (also known as c.2339C>G), located in coding exon 14 of the SCN11A gene, results from a C to G substitution at nucleotide position 2339. The alanine at codon 780 is replaced by glycine, an amino acid with similar properties. This amino acid position is poorly conserved in available vertebrate species. In addition, this alteration is predicted to be tolerated by in silico analysis. Since supporting evidence is limited at this time, the clinical significance of this alteration remains unclear.